The following is an entry in ClinVar:

NM_139242.4(MTFMT):c.419+3A>G

Gene: MTFMT (mitochondrial methionyl-tRNA formyltransferase; minus strand). Cytogenetic location: 15q22.31.
Variant type: single nucleotide variant.
Coding change: c.419+3A>G on transcript NM_139242.4 (MANE Select); 3 bases into the intron after coding-DNA position 419, A replaced by G.
Molecular consequence: intron variant.
Genome position (GRCh38, 1-based): chr15:65,026,828, T>C on the plus strand (A>G on the coding strand, the complement: MTFMT is on the minus strand). VCF-style: chr15-65026828-T-C. GRCh37 (hg19) VCF-style: chr15-65319166-T-C.
Identifiers: ClinVar variation 1027737 (VCV001027737.4), dbSNP rs182623063, ClinGen allele CA7613374.

ClinVar aggregate classification (germline): Conflicting classifications of pathogenicity. Review status: criteria provided, conflicting classifications (1 of 4 stars). 2 submissions from 2 submitters: Uncertain significance (1); Likely benign (1). Last evaluated 2024-08-30.

Conditions:
Combined oxidative phosphorylation defect type 15. Also called: Combined oxidative phosphorylation deficiency 15. Identifiers: Orphanet 319524, MedGen C4706313, MONDO:0013987, OMIM 614947.

Allele frequency attached by ClinVar (database versions not stated): gnomAD exomes 0.00004 and 0.00021; gnomAD 0.00006; TOPMed 0.00007; ExAC 0.00010; 1000 Genomes Project 30x 0.00016; 1000 Genomes Project 0.00020.
gnomAD v4.1: 68 of 1,612,426 alleles (0.0042%); highest among the groups gnomAD compares: East Asian, 0.14%; no homozygotes.

Submissions (2):

Labcorp Genetics (formerly Invitae), Labcorp
Classification: Likely benign. Last evaluated: 2024-08-30. Review status: criteria provided, single submitter. Criteria: Invitae Variant Classification Sherloc (09022015). Collection method: clinical testing. Allele origin: germline.

Baylor Genetics
Classification: Uncertain significance for Combined oxidative phosphorylation defect type 15. Last evaluated: 2020-04-08. Review status: criteria provided, single submitter. Criteria: ACMG Guidelines, 2015. Collection method: clinical testing. Allele origin: maternal. Affected: yes.
Comment: This variant was determined to be of uncertain significance according to ACMG Guidelines, 2015 [PMID:25741868].